The following is an entry in ClinVar:

ClinVar aggregate classification (germline): Pathogenic (1 of 4 stars; one submission).

Conditions:
Ataxia-telangiectasia syndrome (AT). Also called: ATAXIA-TELANGIECTASIA, COMPLEMENTATION GROUP A; ATAXIA-TELANGIECTASIA, FRESNO VARIANT; Ataxia-telangiectasia; Ataxia-telangiectasia, complementation group D; Ataxia-telangiectasia, complementation group E; AT, COMPLEMENTATION GROUP C. Identifiers: Orphanet 100, MedGen C0004135, MONDO:0008840, OMIM 208900.

Submission:

Labcorp Genetics (formerly Invitae), Labcorp
Classification: Pathogenic for Ataxia-telangiectasia syndrome. Last evaluated: 2024-12-08. Review status: criteria provided, single submitter. Criteria: Invitae Variant Classification Sherloc (09022015). Collection method: clinical testing. Allele origin: germline.
Comment: This sequence change creates a premature translational stop signal (p.Lys241Ilefs*13) in the ATM gene. It is expected to result in an absent or disrupted protein product. Loss-of-function variants in ATM are known to be pathogenic (PMID: 23807571, 25614872). This variant is not present in population databases (gnomAD no frequency). This variant has not been reported in the literature in individuals affected with ATM-related conditions. Algorithms developed to predict the effect of sequence changes on RNA splicing suggest that this variant may disrupt the consensus splice site. For these reasons, this variant has been classified as Pathogenic.

Literature cited by the submitters: PubMed 23807571; PubMed 25614872.

NM_000051.4(ATM):c.721_722insT (p.Lys241fs)

Gene: ATM (ATM serine/threonine kinase; plus strand). Cytogenetic location: 11q22.3.
Variant type: Insertion.
Coding change: c.721_722insT on transcript NM_000051.4 (MANE Select); coding-DNA positions 721 to 722, T inserted.
Protein change: p.Lys241fs; shifts the reading frame from lysine 241.
Molecular consequence: frameshift variant.
Genome position: GRCh38 VCF-style: chr11-108244846-A-AT. GRCh37 (hg19) VCF-style: chr11-108115573-A-AT.
Other names: c.721_722insT, p.Lys241fs (NM_001351834.2); short protein forms K241fs.
Identifiers: ClinVar variation 3726830 (VCV003726830.2).
Genomic context (GRCh38, chr11:108,244,846, plus strand): 5'-AGACAAGAAAAGAGCTCTTCAGGTCTAAATCATATCTTAGCAGCTCTTACTATCTTCCTC[A>AT]AGACTTTGGCTGTCAACTTTCGAATTCGAGTGTGTGAATTAGGAGATGAAATTCTTCCCA-3'